The following is an entry in ClinVar:

ClinVar aggregate classification (germline): Uncertain significance (1 of 4 stars; one submission).

Conditions:
Kabuki syndrome. Also called: NIIKAWA-KUROKI SYNDROME; Kabuki make-up syndrome. Identifiers: Orphanet 2322, MedGen C0796004, MONDO:0016512.

Submission:

Labcorp Genetics (formerly Invitae), Labcorp
Classification: Uncertain significance for Kabuki syndrome. Last evaluated: 2024-09-06. Review status: criteria provided, single submitter. Criteria: Invitae Variant Classification Sherloc (09022015). Collection method: clinical testing. Allele origin: germline.
Comment: This sequence change replaces serine, which is neutral and polar, with leucine, which is neutral and non-polar, at codon 3696 of the KMT2D protein (p.Ser3696Leu). This variant is not present in population databases (gnomAD no frequency). This variant has not been reported in the literature in individuals affected with KMT2D-related conditions. Invitae Evidence Modeling of protein sequence and biophysical properties (such as structural, functional, and spatial information, amino acid conservation, physicochemical variation, residue mobility, and thermodynamic stability) indicates that this missense variant is not expected to disrupt KMT2D protein function with a negative predictive value of 95%. In summary, the available evidence is currently insufficient to determine the role of this variant in disease. Therefore, it has been classified as a Variant of Uncertain Significance.

NM_003482.4(KMT2D):c.11087C>T (p.Ser3696Leu)

Gene: KMT2D (lysine methyltransferase 2D; minus strand). Cytogenetic location: 12q13.12.
Variant type: single nucleotide variant.
Coding change: c.11087C>T on transcript NM_003482.4 (MANE Select); coding-DNA position 11087, C replaced by T.
Protein change: p.Ser3696Leu; replaces serine 3696 with leucine.
Molecular consequence: missense variant.
Genome position (GRCh38, 1-based): chr12:49,033,618, G>A on the plus strand (C>T on the coding strand, the complement: KMT2D is on the minus strand). VCF-style: chr12-49033618-G-A. GRCh37 (hg19) VCF-style: chr12-49427401-G-A.
Other names: short protein forms S3696L.
Identifiers: ClinVar variation 3635118 (VCV003635118.2).
Genomic context (GRCh38, chr12:49,033,618, plus strand): 5'-AAAAGCCTTGAATCAGGTCCGAGGCTTCGAAGAGCAAGGTTGCCAGGGAAGAAGCCCCCT[G>A]AAGGGCCAGCCAGGGATCCAGCCCCACCAGAATGTTGCTGTTGCTGCTGTTGGGCCAGAG-3'
Protein context (NP_003473.3, residues 3686-3706): SGGAGSLAGP[Ser3696Leu]GGFFPGNLAL